The following is an entry in ClinVar:

ClinVar aggregate classification (germline): Uncertain significance (1 of 4 stars; one submission).

Allele frequency attached by ClinVar (database versions not stated): TOPMed below 0.00001.

Submission:

Labcorp Genetics (formerly Invitae), Labcorp
Classification: Uncertain significance. Last evaluated: 2022-06-14. Review status: criteria provided, single submitter. Criteria: Invitae Variant Classification Sherloc (09022015). Collection method: clinical testing. Allele origin: germline.
Comment: In summary, the available evidence is currently insufficient to determine the role of this variant in disease. Therefore, it has been classified as a Variant of Uncertain Significance. Algorithms developed to predict the effect of missense changes on protein structure and function are either unavailable or do not agree on the potential impact of this missense change (SIFT: "Tolerated"; PolyPhen-2: "Not Available"; Align-GVGD: "Class C0"). This variant has not been reported in the literature in individuals affected with PCLO-related conditions. This variant is not present in population databases (gnomAD no frequency). This sequence change replaces alanine, which is neutral and non-polar, with glycine, which is neutral and non-polar, at codon 4274 of the PCLO protein (p.Ala4274Gly).

NM_033026.6(PCLO):c.12821C>G (p.Ala4274Gly)

Gene: PCLO (piccolo presynaptic cytomatrix protein; minus strand). Cytogenetic location: 7q21.11.
Variant type: single nucleotide variant.
Coding change: c.12821C>G on transcript NM_033026.6 (MANE Select); coding-DNA position 12821, C replaced by G.
Protein change: p.Ala4274Gly; replaces alanine 4274 with glycine.
Molecular consequence: missense variant.
Genome position (GRCh38, 1-based): chr7:82,915,165, G>C on the plus strand (C>G on the coding strand, the complement: PCLO is on the minus strand). VCF-style: chr7-82915165-G-C. GRCh37 (hg19) VCF-style: chr7-82544481-G-C.
Other names: c.12821C>G, p.Ala4274Gly (NM_014510.3); short protein forms A4274G.
Identifiers: ClinVar variation 1992788 (VCV001992788.4), dbSNP rs1044694358, ClinGen allele CA161120916.
Genomic context (GRCh38, chr7:82,915,165, plus strand): 5'-CTGGAGGAAGGTCTGGACCTGCTGCCACTACTGTATGGCTTATCCGCTTCATCCTGCAGA[G>C]CTGAGCGTATGGTATTTCCTAATGTGCCCAGTCCTGTGCCAAGAGAAGATCCCATAAATT-3'
Protein context (NP_149015.2, residues 4264-4284): LGTLGNTIRS[Ala4274Gly]LQDEADKPYS